The following is an entry in ClinVar:

NM_016247.4(IMPG2):c.1802T>A (p.Leu601Ter)

Gene: IMPG2 (interphotoreceptor matrix proteoglycan 2; minus strand). Cytogenetic location: 3q12.3.
Variant type: single nucleotide variant.
Coding change: c.1802T>A on transcript NM_016247.4 (MANE Select); coding-DNA position 1802, T replaced by A.
Protein change: p.Leu601Ter; replaces leucine 601 with a stop codon.
Molecular consequence: nonsense.
Genome position (GRCh38, 1-based): chr3:101,244,529, A>T on the plus strand (T>A on the coding strand, the complement: IMPG2 is on the minus strand). VCF-style: chr3-101244529-A-T. GRCh37 (hg19) VCF-style: chr3-100963373-A-T.
Other names: short protein forms L601*.
Identifiers: ClinVar variation 851233 (VCV000851233.10), dbSNP rs138793555, ClinGen allele CA2519087.

ClinVar aggregate classification (germline): Pathogenic/Likely pathogenic. Review status: criteria provided, multiple submitters, no conflicts (2 of 4 stars). 3 submissions from 3 submitters: Pathogenic (1); Likely pathogenic (2). Last evaluated 2025-08-15.

Conditions:
IMPG2-related disorder. Also called: IMPG2-related condition.
IMPG2-related disorders.

Allele frequency attached by ClinVar (database versions not stated): gnomAD exomes below 0.00001 and 0.00002; ExAC 0.00001; TOPMed 0.00001; ESP Exome Variant Server 0.00008.
gnomAD v4.1: 26 of 1,599,800 alleles (0.0016%); highest among the groups gnomAD compares: Non-Finnish European, 0.0022%; no homozygotes.

Submissions (3):

PreventionGenetics, part of Exact Sciences
Classification: Likely pathogenic for IMPG2-related condition. Last evaluated: 2025-08-15. Review status: criteria provided, single submitter. Criteria: ACMG Guidelines, 2015. Collection method: clinical testing. Allele origin: germline.
Comment: The IMPG2 c.1802T>A variant is predicted to result in premature protein termination (p.Leu601*). To our knowledge, this variant has not been reported in the literature. This variant is reported in 0.00090% of alleles in individuals of European (Non-Finnish) descent in gnomAD. Nonsense variants in IMPG2 are expected to be pathogenic. This variant is interpreted as likely pathogenic.

Labcorp Genetics (formerly Invitae), Labcorp
Classification: Pathogenic. Last evaluated: 2024-05-21. Review status: criteria provided, single submitter. Criteria: Invitae Variant Classification Sherloc (09022015). Collection method: clinical testing. Allele origin: germline.
Comment: This sequence change creates a premature translational stop signal (p.Leu601*) in the IMPG2 gene. It is expected to result in an absent or disrupted protein product. Loss-of-function variants in IMPG2 are known to be pathogenic (PMID: 20673862). This variant is present in population databases (rs138793555, gnomAD 0.0009%). This variant has not been reported in the literature in individuals affected with IMPG2-related conditions. ClinVar contains an entry for this variant (Variation ID: 851233). For these reasons, this variant has been classified as Pathogenic.

Blueprint Genetics
Classification: Likely pathogenic for IMPG2-related disorders. Last evaluated: 2022-04-20. Review status: criteria provided, single submitter. Criteria: ACMG Guidelines, 2015. Collection method: clinical testing. Allele origin: germline. Affected: yes. Observed: 5 variant alleles.

Literature cited by the submitters: PubMed 20673862 (cited by Labcorp Genetics (formerly Invitae), Labcorp).